The following is an entry in ClinVar:

ClinVar aggregate classification (germline): Likely benign. Review status: criteria provided, multiple submitters, no conflicts (2 of 4 stars). 2 submissions from 2 submitters: Likely benign (2). Last evaluated 2025-04-09.

Conditions:
Autosomal recessive limb-girdle muscular dystrophy type 2J (LGMDR10). Also called: Limb-girdle muscular dystrophy, type 2J; MUSCULAR DYSTROPHY, LIMB-GIRDLE, AUTOSOMAL RECESSIVE 10. Identifiers: Orphanet 140922, MedGen C1837342, MONDO:0012127, OMIM 608807.
Dilated cardiomyopathy 1G (CMD1G). Identifiers: Orphanet 154, MedGen C1858763, MONDO:0011400, OMIM 604145.

gnomAD v4.1: 2 of 1,612,262 alleles (0.00012%); highest among the groups gnomAD compares: East Asian, 0.0022%; no homozygotes.

Submissions (2):

Molecular Diagnostic Laboratory for Inherited Cardiovascular Disease, Montreal Heart Institute
Classification: Likely benign. Last evaluated: 2025-04-09. Review status: criteria provided, single submitter. Criteria: ACMG Guidelines, 2015. Collection method: clinical testing. Allele origin: germline. Affected: no.
Comment: BP7

Labcorp Genetics (formerly Invitae), Labcorp
Classification: Likely benign for Dilated cardiomyopathy 1G; Autosomal recessive limb-girdle muscular dystrophy type 2J. Last evaluated: 2024-12-15. Review status: criteria provided, single submitter. Criteria: Invitae Variant Classification Sherloc (09022015). Collection method: clinical testing. Allele origin: germline.

NM_001267550.2(TTN):c.48858T>C (p.Pro16286=)

Genes: TTN-AS1 (TTN antisense RNA 1; plus strand), TTN (titin; minus strand), LOC126806426 (BRD4-independent group 4 enhancer GRCh37_chr2:179478848-179480047; plus strand). Cytogenetic location: 2q31.2.
Variant type: single nucleotide variant.
Coding change: c.48858T>C on transcript NM_001267550.2 (MANE Select); coding-DNA position 48858, T replaced by C.
Protein change: p.Pro16286=; no amino-acid change (proline 16286 retained).
Molecular consequence: synonymous variant. On other transcripts: non-coding transcript variant (1).
Genome position (GRCh38, 1-based): chr2:178,614,656, A>G on the plus strand (T>C on the coding strand, the complement: TTN is on the minus strand). VCF-style: chr2-178614656-A-G. GRCh37 (hg19) VCF-style: chr2-179479383-A-G.
Other names: c.43935T>C, p.Pro14645= (NM_001256850.1); c.21663T>C, p.Pro7221= (NM_003319.4); c.41154T>C, p.Pro13718= (NM_133378.4); c.22038T>C, p.Pro7346= (NM_133432.3); c.22239T>C, p.Pro7413= (NM_133437.4).
Identifiers: ClinVar variation 3761773 (VCV003761773.3), dbSNP rs771942101.
Genomic context (GRCh38, chr2:178,614,656, plus strand): 5'-GGTAATTCTTTTGTCCTGCTTCAGAATCATATCAGCCTTTGTCCAAGTTATTTTAGGTTC[A>G]GGTTTTCCGGTTACGGTGGCAGGAAGTTCAATCTTGGTCCCAGCTTTTACAGTGAGACCA-3'
Protein context (NP_001254479.2, residues 16276-16296): IELPATVTGK[Pro16286=]EPKITWTKAD